The following is an entry in ClinVar:

NM_001939.3(DRP2):c.2713G>A (p.Glu905Lys)

Gene: DRP2 (dystrophin related protein 2; plus strand). Cytogenetic location: Xq22.1.
Variant type: single nucleotide variant.
Coding change: c.2713G>A on transcript NM_001939.3 (MANE Select); coding-DNA position 2713, G replaced by A.
Protein change: p.Glu905Lys; replaces glutamic acid 905 with lysine.
Molecular consequence: missense variant.
Genome position (GRCh38, 1-based): chrX:101,260,133, G>A. VCF-style: chrX-101260133-G-A. GRCh37 (hg19) VCF-style: chrX-100515122-G-A.
Other names: c.2479G>A, p.Glu827Lys (NM_001171184.2); short protein forms E827K, E905K.
Identifiers: ClinVar variation 2777607 (VCV002777607.3), dbSNP rs776834891, ClinGen allele CA10472519.

ClinVar aggregate classification (germline): Uncertain significance (1 of 4 stars; one submission).

Allele frequency attached by ClinVar (database versions not stated): ExAC 0.00001; gnomAD 0.00002; TOPMed 0.00002.
gnomAD v4.1: 4 of 1,209,401 alleles (0.00033%); highest among the groups gnomAD compares: African/African-American, 0.0053%; no homozygotes.

Submission:

Labcorp Genetics (formerly Invitae), Labcorp
Classification: Uncertain significance. Last evaluated: 2023-10-30. Review status: criteria provided, single submitter. Criteria: Invitae Variant Classification Sherloc (09022015). Collection method: clinical testing. Allele origin: germline.
Comment: This sequence change replaces glutamic acid, which is acidic and polar, with lysine, which is basic and polar, at codon 905 of the DRP2 protein (p.Glu905Lys). This variant is present in population databases (rs776834891, gnomAD 0.03%). This variant has not been reported in the literature in individuals affected with DRP2-related conditions. An algorithm developed to predict the effect of missense changes on protein structure and function (PolyPhen-2) suggests that this variant is likely to be tolerated. In summary, the available evidence is currently insufficient to determine the role of this variant in disease. Therefore, it has been classified as a Variant of Uncertain Significance.